The following is an entry in ClinVar:

NM_004006.3(DMD):c.7955C>G (p.Ser2652Cys)

Gene: DMD (dystrophin; minus strand). Cytogenetic location: Xp21.1.
Variant type: single nucleotide variant.
Coding change: c.7955C>G on transcript NM_004006.3 (MANE Select); coding-DNA position 7955, C replaced by G.
Protein change: p.Ser2652Cys; replaces serine 2652 with cysteine.
Molecular consequence: missense variant.
Genome position (GRCh38, 1-based): chrX:31,658,062, G>C on the plus strand (C>G on the coding strand, the complement: DMD is on the minus strand). VCF-style: chrX-31658062-G-C. GRCh37 (hg19) VCF-style: chrX-31676179-G-C.
Other names: c.7931C>G, p.Ser2644Cys (NM_000109.4); c.7943C>G, p.Ser2648Cys (NM_004009.3); c.7586C>G, p.Ser2529Cys (NM_004010.3); c.3932C>G, p.Ser1311Cys (NM_004011.4); c.3923C>G, p.Ser1308Cys (NM_004012.4); c.575C>G, p.Ser192Cys (NM_004013.3, NM_004020.4, NM_004021.3 and 2 more transcripts); short protein forms S1308C, S1311C, S192C, S2529C, S2644C, S2648C, S2652C.
Identifiers: ClinVar variation 4807214 (VCV004807214.1).
Genomic context (GRCh38, chrX:31,658,062, plus strand): 5'-CTTCTCCAAGAGGCATTGATATTCTCTGTTATCATGTGGACTTTTCTGGTATCATCTGCA[G>C]AATAATCCCGGAGAAGTTTCAGGGCCAAGTCATTTGCCACATCTACATTTGTCTGCCACT-3'
Protein context (NP_003997.2, residues 2642-2662): DLALKLLRDY[Ser2652Cys]ADDTRKVHMI

ClinVar aggregate classification (germline): Uncertain significance (1 of 4 stars; one submission).

Conditions:
Duchenne muscular dystrophy (DMD). Also called: Duchenne Muscular Dystrophy (DMD); MUSCULAR DYSTROPHY, PSEUDOHYPERTROPHIC PROGRESSIVE, DUCHENNE TYPE. Identifiers: Orphanet 98896, MedGen C0013264, MONDO:0010679, OMIM 310200.

gnomAD v4.1: 1 of 1,211,079 alleles (0.000083%); highest among the groups gnomAD compares: Non-Finnish European, 0.00011%; no homozygotes.

Submission:

Labcorp Genetics (formerly Invitae), Labcorp
Classification: Uncertain significance for Duchenne muscular dystrophy. Last evaluated: 2025-11-25. Review status: criteria provided, single submitter. Criteria: Invitae Variant Classification Sherloc (09022015). Collection method: clinical testing. Allele origin: germline.
Comment: This sequence change replaces serine, which is neutral and polar, with cysteine, which is neutral and slightly polar, at codon 2652 of the DMD protein (p.Ser2652Cys). This variant is not present in population databases (gnomAD no frequency). This variant has not been reported in the literature in individuals affected with DMD-related conditions. Invitae Evidence Modeling of protein sequence and biophysical properties (such as structural, functional, and spatial information, amino acid conservation, physicochemical variation, residue mobility, and thermodynamic stability) indicates that this missense variant is not expected to disrupt DMD protein function with a negative predictive value of 95%. In summary, the available evidence is currently insufficient to determine the role of this variant in disease. Therefore, it has been classified as a Variant of Uncertain Significance.